The following is an entry in ClinVar:

ClinVar aggregate classification (germline): Likely benign (1 of 4 stars; one submission).

Allele frequency attached by ClinVar (database versions not stated): 1000 Genomes Project 0.45647; 1000 Genomes Project 30x 0.46127; TOPMed 0.56898; gnomAD 0.58800 and 0.59319.

Submission:

GeneDx
Classification: Likely benign. Last evaluated: 2018-03-09. Review status: criteria provided, single submitter. Criteria: GeneDx Variant Classification (06012015). Collection method: clinical testing. Allele origin: germline. Affected: yes.
Comment: This variant is considered likely benign or benign based on one or more of the following criteria: it is a conservative change, it occurs at a poorly conserved position in the protein, it is predicted to be benign by multiple in silico algorithms, and/or has population frequency not consistent with disease.

NM_000681.3(ADRA2A):c.-1252G>C

Gene: ADRA2A (adrenoceptor alpha 2A; plus strand). Cytogenetic location: 10q25.2.
Variant type: single nucleotide variant.
Coding change: c.-1252G>C on transcript NM_000681.3; 1252 bases upstream of the start codon, G replaced by C.
Genome position (GRCh38, 1-based): chr10:111,076,745, G>C. VCF-style: chr10-111076745-G-C. GRCh37 (hg19) VCF-style: chr10-112836503-G-C.
Identifiers: ClinVar variation 511078 (VCV000511078.3), dbSNP rs1800544, ClinGen allele CA13252044.